The following is an entry in ClinVar:

ClinVar aggregate classification (germline): Uncertain significance. Review status: criteria provided, multiple submitters, no conflicts (2 of 4 stars). 2 submissions from 2 submitters: Uncertain significance (2). Last evaluated 2026-08-06.

Conditions:
Inborn genetic diseases. Identifiers: MedGen C0950123, MeSH D030342.
Ataxia - intellectual disability - oculomotor apraxia - cerebellar cysts syndrome. Also called: Poretti-Boltshauser syndrome. Identifiers: Orphanet 370022, MedGen C4014821, MONDO:0014419, OMIM 615960.

gnomAD v4.1: 72 of 1,613,838 alleles (0.0045%); highest among the groups gnomAD compares: East Asian, 0.0067%; no homozygotes.

Submissions (2):

OLLIN Analises Genomicas, OLLIN
Classification: Uncertain significance for Ataxia - intellectual disability - oculomotor apraxia - cerebellar cysts syndrome. Last evaluated: 2026-08-06. Review status: criteria provided, single submitter. Criteria: ACMG Guidelines 2015 PMID 25741868. Collection method: clinical testing. Allele origin: germline.
Comment: This missense variant, located in exon 5 (of 63), has been reported in ClinVar (accession VCV003536829.1) and in gnomAD with an allele frequency of 0.0045%. However, to our knowledge, it has not been reported in the scientific literature. In silico analysis is inconclusive regarding the impact of this variant. According to the currently available evidence, this variant has been classified as uncertain significance (PM2_P).

Ambry Genetics
Classification: Uncertain significance for Inborn genetic diseases. Last evaluated: 2024-11-09. Review status: criteria provided, single submitter. Criteria: Ambry Variant Classification Scheme 2023. Collection method: clinical testing. Allele origin: germline.

NM_005559.4(LAMA1):c.680G>A (p.Arg227His)

Gene: LAMA1 (laminin subunit alpha 1; minus strand). Cytogenetic location: 18p11.31.
Variant type: single nucleotide variant.
Coding change: c.680G>A on transcript NM_005559.4 (MANE Select); coding-DNA position 680, G replaced by A.
Protein change: p.Arg227His; replaces arginine 227 with histidine.
Molecular consequence: missense variant.
Genome position (GRCh38, 1-based): chr18:7,049,166, C>T on the plus strand (G>A on the coding strand, the complement: LAMA1 is on the minus strand). VCF-style: chr18-7049166-C-T. GRCh37 (hg19) VCF-style: chr18-7049165-C-T.
Other names: short protein forms R227H.
Identifiers: ClinVar variation 3536829 (VCV003536829.2).